The following is an entry in ClinVar:

ClinVar aggregate classification (germline): Uncertain significance (1 of 4 stars; one submission).

Conditions:
Arrhythmogenic cardiomyopathy with wooly hair and keratoderma. Also called: PALMOPLANTAR KERATODERMA WITH LEFT VENTRICULAR CARDIOMYOPATHY AND WOOLLY HAIR; Carvajal syndrome; Dilated cardiomyopathy with woolly hair and keratoderma; Arrhythmogenic cardiomyopathy with woolly hair and keratoderma. Identifiers: Orphanet 65282, MedGen C1854063, MONDO:0011581, OMIM 605676.
Arrhythmogenic right ventricular dysplasia 8 (ARVD8). Also called: Arrhythmogenic Right Ventricular Dysplasia/Cardiomyopathy 8; ARRHYTHMOGENIC RIGHT VENTRICULAR DYSPLASIA, FAMILIAL, 8; ARRHYTHMOGENIC RIGHT VENTRICULAR CARDIOMYOPATHY 8. Identifiers: MedGen C1843896, MONDO:0011831, OMIM 607450.

Submission:

Labcorp Genetics (formerly Invitae), Labcorp
Classification: Uncertain significance for Arrhythmogenic cardiomyopathy with wooly hair and keratoderma; Arrhythmogenic right ventricular dysplasia 8. Last evaluated: 2023-07-28. Review status: criteria provided, single submitter. Criteria: Invitae Variant Classification Sherloc (09022015). Collection method: clinical testing. Allele origin: germline.
Comment: In summary, the available evidence is currently insufficient to determine the role of this variant in disease. Therefore, it has been classified as a Variant of Uncertain Significance. Algorithms developed to predict the effect of missense changes on protein structure and function output the following: SIFT: "Not Available"; PolyPhen-2: "Benign"; Align-GVGD: "Not Available". The lysine amino acid residue is found in multiple mammalian species, which suggests that this missense change does not adversely affect protein function. This variant has not been reported in the literature in individuals affected with DSP-related conditions. This variant is not present in population databases (gnomAD no frequency). This sequence change replaces arginine, which is basic and polar, with lysine, which is basic and polar, at codon 1124 of the DSP protein (p.Arg1124Lys).

NM_004415.4(DSP):c.3371G>A (p.Arg1124Lys)

Gene: DSP (desmoplakin; plus strand). Cytogenetic location: 6p24.3.
Variant type: single nucleotide variant.
Coding change: c.3371G>A on transcript NM_004415.4 (MANE Select); coding-DNA position 3371, G replaced by A.
Protein change: p.Arg1124Lys; replaces arginine 1124 with lysine.
Molecular consequence: missense variant.
Genome position (GRCh38, 1-based): chr6:7,579,561, G>A. VCF-style: chr6-7579561-G-A. GRCh37 (hg19) VCF-style: chr6-7579794-G-A.
Other names: c.3371G>A, p.Arg1124Lys (NM_001008844.3, NM_001319034.2); short protein forms R1124K.
Identifiers: ClinVar variation 2950384 (VCV002950384.3), dbSNP rs2533923395, ClinGen allele CA362683844.
Genomic context (GRCh38, chr6:7,579,561, plus strand): 5'-TAAAAGAACTCAATGAGAAGATCACCCGACTGACTTATGAGATTGAAGATGAAAAGAGAA[G>A]AAGAAAATCTGTGGAAGACAGATTTGACCAACAGAAGAATGACTATGACCAACTGCAGAA-3'
Protein context (NP_004406.2, residues 1114-1134): LTYEIEDEKR[Arg1124Lys]RKSVEDRFDQ